The following is an entry in ClinVar:

NM_001374736.1(DST):c.18275A>G (p.His6092Arg)

Gene: DST (dystonin; minus strand). Cytogenetic location: 6p12.1.
Variant type: single nucleotide variant.
Coding change: c.18275A>G on transcript NM_001374736.1 (MANE Select); coding-DNA position 18275, A replaced by G.
Protein change: p.His6092Arg; replaces histidine 6092 with arginine.
Molecular consequence: missense variant.
Genome position (GRCh38, 1-based): chr6:56,517,280, T>C on the plus strand (A>G on the coding strand, the complement: DST is on the minus strand). VCF-style: chr6-56517280-T-C. GRCh37 (hg19) VCF-style: chr6-56382078-T-C.
Other names: c.11918A>G, p.His3973Arg (NM_001144769.5); c.11504A>G, p.His3835Arg (NM_001144770.2); c.18275A>G, p.His6092Arg (NM_001374722.1); c.17315A>G, p.His5772Arg (NM_001374729.1); c.11057A>G, p.His3686Arg (NM_001374730.1); c.18302A>G, p.His6101Arg (NM_001374734.1); c.11384A>G, p.His3795Arg (NM_001386100.1, NM_183380.4); c.10406A>G, p.His3469Arg (NM_015548.5); short protein forms H3686R, H3835R, H5772R, H6092R, H3469R, H3795R, H6101R, H3973R.
Identifiers: ClinVar variation 2114140 (VCV002114140.4), dbSNP rs755268481, ClinGen allele CA3867241.

ClinVar aggregate classification (germline): Uncertain significance (1 of 4 stars; one submission).

Conditions:
Hereditary sensory and autonomic neuropathy type 6. Also called: HSAN VI; Neuropathy, hereditary sensory and autonomic, type VI. Identifiers: Orphanet 314381, MedGen C3539003, MONDO:0013839, OMIM 614653.
Epidermolysis bullosa simplex 3, localized or generalized intermediate, with BP230 deficiency (EBS3). Also called: Epidermolysis bullosa simplex, autosomal recessive 2; Epidermolysis bullosa simplex due to BP230 deficiency. Identifiers: Orphanet 412181, MedGen C3809470, MONDO:0014180, OMIM 615425.

Allele frequency attached by ClinVar (database versions not stated): gnomAD exomes below 0.00001; ExAC 0.00001.
gnomAD v4.1: 4 of 1,612,954 alleles (0.00025%); highest among the groups gnomAD compares: Admixed American, 0.0017%; no homozygotes.

Submission:

Labcorp Genetics (formerly Invitae), Labcorp
Classification: Uncertain significance for Epidermolysis bullosa simplex 3, localized or generalized intermediate, with BP230 deficiency; Hereditary sensory and autonomic neuropathy type 6. Last evaluated: 2022-03-19. Review status: criteria provided, single submitter. Criteria: Invitae Variant Classification Sherloc (09022015). Collection method: clinical testing. Allele origin: germline.
Comment: In summary, the available evidence is currently insufficient to determine the role of this variant in disease. Therefore, it has been classified as a Variant of Uncertain Significance. Experimental studies and prediction algorithms are not available or were not evaluated, and the functional significance of this variant is currently unknown. This variant has not been reported in the literature in individuals affected with DST-related conditions. This variant is present in population databases (rs755268481, gnomAD 0.003%). This sequence change replaces histidine, which is basic and polar, with arginine, which is basic and polar, at codon 3469 of the DST protein (p.His3469Arg). The DST gene has multiple clinically relevant transcripts. This variant occurs in alternate transcript NM_015548.4, and corresponds to NM_001723.5:c.*98237A>G in the primary transcript.